The following is an entry in ClinVar:

ClinVar aggregate classification (germline): Uncertain significance. Review status: criteria provided, multiple submitters, no conflicts (2 of 4 stars). 2 submissions from 2 submitters: Uncertain significance (2). Last evaluated 2023-08-08.

Conditions:
Inborn genetic diseases. Identifiers: MedGen C0950123, MeSH D030342.

Allele frequency attached by ClinVar (database versions not stated): gnomAD 0.00002 and 0.00004; gnomAD exomes 0.00002 and 0.00004; ExAC 0.00006; 1000 Genomes Project 30x 0.00016; 1000 Genomes Project 0.00020.
gnomAD v4.1: 42 of 1,614,152 alleles (0.0026%); highest among the groups gnomAD compares: South Asian, 0.018%; no homozygotes.

Submissions (2):

Ambry Genetics
Classification: Uncertain significance for Inborn genetic diseases. Last evaluated: 2023-08-08. Review status: criteria provided, single submitter. Criteria: Ambry Variant Classification Scheme 2023. Collection method: clinical testing. Allele origin: germline.

Labcorp Genetics (formerly Invitae), Labcorp
Classification: Uncertain significance. Last evaluated: 2021-09-24. Review status: criteria provided, single submitter. Criteria: Invitae Variant Classification Sherloc (09022015). Collection method: clinical testing. Allele origin: germline.
Comment: This sequence change replaces arginine with cysteine at codon 302 of the DLL3 protein (p.Arg302Cys). The arginine residue is highly conserved and there is a large physicochemical difference between arginine and cysteine. This variant is present in population databases (rs538488581, ExAC 0.04%). This variant has not been reported in the literature in individuals with DLL3-related conditions. Algorithms developed to predict the effect of missense changes on protein structure and function are either unavailable or do not agree on the potential impact of this missense change (SIFT: "Deleterious"; PolyPhen-2: "Probably Damaging"; Align-GVGD: "Class C0"). In summary, the available evidence is currently insufficient to determine the role of this variant in disease. Therefore, it has been classified as a Variant of Uncertain Significance.

NM_203486.3(DLL3):c.904C>T (p.Arg302Cys)

Gene: DLL3 (delta like canonical Notch ligand 3; plus strand). Cytogenetic location: 19q13.2.
Variant type: single nucleotide variant.
Coding change: c.904C>T on transcript NM_203486.3 (MANE Select); coding-DNA position 904, C replaced by T.
Protein change: p.Arg302Cys; replaces arginine 302 with cysteine.
Molecular consequence: missense variant.
Genome position (GRCh38, 1-based): chr19:39,505,262, C>T. VCF-style: chr19-39505262-C-T. GRCh37 (hg19) VCF-style: chr19-39995902-C-T.
Other names: c.904C>T, p.Arg302Cys (NM_016941.4); c.904C>T (NM_016941.3); short protein forms R302C.
Identifiers: ClinVar variation 1441209 (VCV001441209.6), dbSNP rs538488581, ClinGen allele CA9432306.
Genomic context (GRCh38, chr19:39,505,262, plus strand): 5'-TTCTCAAGTACTCTTGTCCCTGCCCAGGAGACACCCAGGTCCTTTGAATGCACCTGCCCG[C>T]GTGGGTTCTACGGGCTGCGGTGTGAGGTGAGCGGGGTGACATGTGCAGATGGACCCTGCT-3'
Protein context (NP_982353.1, residues 292-312): TPRSFECTCP[Arg302Cys]GFYGLRCEVS